The following is an entry in ClinVar:

ClinVar aggregate classification (germline): Uncertain significance (1 of 4 stars; one submission).

Allele frequency attached by ClinVar (database versions not stated): gnomAD exomes below 0.00001; TOPMed 0.00001.
gnomAD v4.1: 1 of 1,613,568 alleles (0.000062%); highest among the groups gnomAD compares: Non-Finnish European, 0.000085%; no homozygotes.

Submission:

Labcorp Genetics (formerly Invitae), Labcorp
Classification: Uncertain significance. Last evaluated: 2022-05-16. Review status: criteria provided, single submitter. Criteria: Invitae Variant Classification Sherloc (09022015). Collection method: clinical testing. Allele origin: germline.
Comment: In summary, the available evidence is currently insufficient to determine the role of this variant in disease. Therefore, it has been classified as a Variant of Uncertain Significance. Advanced modeling of protein sequence and biophysical properties (such as structural, functional, and spatial information, amino acid conservation, physicochemical variation, residue mobility, and thermodynamic stability) performed at Invitae indicates that this missense variant is expected to disrupt ASNS protein function. This variant has not been reported in the literature in individuals affected with ASNS-related conditions. This variant is not present in population databases (gnomAD no frequency). This sequence change replaces isoleucine, which is neutral and non-polar, with threonine, which is neutral and polar, at codon 321 of the ASNS protein (p.Ile321Thr).

NM_001673.5(ASNS):c.962T>C (p.Ile321Thr)

Genes: ASNS (asparagine synthetase (glutamine-hydrolyzing); minus strand), CZ1P-ASNS (CZ1P-ASNS readthrough; minus strand). Cytogenetic location: 7q21.3.
Variant type: single nucleotide variant.
Coding change: c.962T>C on transcript NM_001673.5 (MANE Select); coding-DNA position 962, T replaced by C.
Protein change: p.Ile321Thr; replaces isoleucine 321 with threonine.
Molecular consequence: missense variant. On other transcripts: non-coding transcript variant (1).
Genome position (GRCh38, 1-based): chr7:97,856,758, A>G on the plus strand (T>C on the coding strand, the complement: ASNS is on the minus strand). VCF-style: chr7-97856758-A-G. GRCh37 (hg19) VCF-style: chr7-97486070-A-G.
Other names: c.899T>C, p.Ile300Thr (NM_001178075.2); c.713T>C, p.Ile238Thr (NM_001178076.2, NM_001178077.1); c.962T>C, p.Ile321Thr (NM_001352496.2, NM_133436.3, NM_183356.4); short protein forms I300T, I321T, I238T.
Identifiers: ClinVar variation 1964656 (VCV001964656.5), dbSNP rs1394999666, ClinGen allele CA368266959.